The following is an entry in ClinVar:

NM_152703.5(SAMD9L):c.4679G>T (p.Arg1560Met)

Gene: SAMD9L (sterile alpha motif domain containing 9 like; minus strand). Cytogenetic location: 7q21.2.
Variant type: single nucleotide variant.
Coding change: c.4679G>T on transcript NM_152703.5 (MANE Select); coding-DNA position 4679, G replaced by T.
Protein change: p.Arg1560Met; replaces arginine 1560 with methionine.
Molecular consequence: missense variant.
Genome position (GRCh38, 1-based): chr7:93,131,293, C>A on the plus strand (G>T on the coding strand, the complement: SAMD9L is on the minus strand). VCF-style: chr7-93131293-C-A. GRCh37 (hg19) VCF-style: chr7-92760606-C-A.
Other names: c.4679G>T (NM_152703.2); c.4679G>T, p.Arg1560Met (NM_001303496.3, NM_001303497.3, NM_001303498.3 and 5 more transcripts); short protein forms R1560M.
Identifiers: ClinVar variation 2754990 (VCV002754990.4), dbSNP rs1269649126, ClinGen allele CA368170044.
Genomic context (GRCh38, chr7:93,131,293, plus strand): 5'-TCATATGCCAGAGGGCCTTCAATGGAAAATCCTAGGTAGAAAGACACTCTTTCTATGTTC[C>A]TACCACTTCTGAGTGGACCTGAATAAACAGATATTACTGGTATTTTTATTTTTTCCTCTG-3'
Protein context (NP_689916.2, residues 1550-1570): SVYSGPLRSG[Arg1560Met]NIERVSFYLG

ClinVar aggregate classification (germline): Uncertain significance. Review status: criteria provided, multiple submitters, no conflicts (2 of 4 stars). 2 submissions from 2 submitters: Uncertain significance (2). Last evaluated 2025-11-16.

Conditions:
Inborn genetic diseases. Identifiers: MedGen C0950123, MeSH D030342.

Allele frequency attached by ClinVar (database versions not stated): gnomAD exomes below 0.00001.

Submissions (2):

Ambry Genetics
Classification: Uncertain significance for Inborn genetic diseases. Last evaluated: 2025-11-16. Review status: criteria provided, single submitter. Criteria: Ambry Variant Classification Scheme 2023. Collection method: clinical testing. Allele origin: germline.
Comment: The p.R1560M variant (also known as c.4679G>T), located in coding exon 1 of the SAMD9L gene, results from a G to T substitution at nucleotide position 4679. The arginine at codon 1560 is replaced by methionine, an amino acid with similar properties. This amino acid position is conserved. In addition, this alteration is predicted to be tolerated by in silico analysis. Based on the available evidence, the clinical significance of this variant remains unclear.

Labcorp Genetics (formerly Invitae), Labcorp
Classification: Uncertain significance. Last evaluated: 2023-08-24. Review status: criteria provided, single submitter. Criteria: Invitae Variant Classification Sherloc (09022015). Collection method: clinical testing. Allele origin: germline.
Comment: This variant is not present in population databases (gnomAD no frequency). This sequence change replaces arginine, which is basic and polar, with methionine, which is neutral and non-polar, at codon 1560 of the SAMD9L protein (p.Arg1560Met). An algorithm developed to predict the effect of missense changes on protein structure and function (PolyPhen-2) suggests that this variant is likely to be disruptive. In summary, the available evidence is currently insufficient to determine the role of this variant in disease. Therefore, it has been classified as a Variant of Uncertain Significance. This variant has not been reported in the literature in individuals affected with SAMD9L-related conditions.